The following is an entry in ClinVar:

ClinVar aggregate classification (germline): Uncertain significance. Review status: criteria provided, multiple submitters, no conflicts (2 of 4 stars). 3 submissions from 3 submitters: Uncertain significance (3). Last evaluated 2025-11-27.

Conditions:
Autosomal dominant Alport syndrome (ATS3A). Also called: Alport syndrome dominant type; Renal failure and sensorineural hearing loss; ALPORT SYNDROME 3A, AUTOSOMAL DOMINANT. Identifiers: Orphanet 63, Orphanet 88918, MedGen C5882663, MONDO:0007086, OMIM 104200.
Hematuria, benign familial, 2 (BFH2). Identifiers: MedGen C5830421, MONDO:0958186, OMIM 620320.
Alport syndrome 3b, autosomal recessive. Identifiers: MedGen C5882699, MONDO:0957811, OMIM 620536.

Allele frequency attached by ClinVar (database versions not stated): ExAC 0.00002; gnomAD 0.00003; gnomAD exomes 0.00004.
gnomAD v4.1: 60 of 1,613,728 alleles (0.0037%); highest among the groups gnomAD compares: South Asian, 0.0044%; no homozygotes.

Submissions (3):

Labcorp Genetics (formerly Invitae), Labcorp
Classification: Uncertain significance. Last evaluated: 2025-11-27. Review status: criteria provided, single submitter. Criteria: Invitae Variant Classification Sherloc (09022015). Collection method: clinical testing. Allele origin: germline.
Comment: This sequence change affects codon 584 of the COL4A3 mRNA. It is a 'silent' change, meaning that it does not change the encoded amino acid sequence of the COL4A3 protein. This variant is present in population databases (rs746928034, gnomAD 0.01%). This variant has not been reported in the literature in individuals affected with COL4A3-related conditions. ClinVar contains an entry for this variant (Variation ID: 2571124). Algorithms developed to predict the effect of sequence changes on RNA splicing suggest that this variant may disrupt the consensus splice site. In summary, the available evidence is currently insufficient to determine the role of this variant in disease. Therefore, it has been classified as a Variant of Uncertain Significance.

Fulgent Genetics
Classification: Uncertain significance for Autosomal dominant Alport syndrome; Hematuria, benign familial, 2; Alport syndrome 3b, autosomal recessive. Last evaluated: 2024-01-05. Review status: criteria provided, single submitter. Criteria: ACMG Guidelines, 2015. Collection method: clinical testing. Allele origin: germline.

CeGaT Center for Human Genetics Tuebingen
Classification: Uncertain significance. Last evaluated: 2023-06-01. Review status: criteria provided, single submitter. Criteria: CeGaT Center For Human Genetics Tuebingen Variant Classification Criteria Version 2. Collection method: clinical testing. Allele origin: germline. Affected: yes. Observed: 1 variant allele.
Comment: COL4A3: PP3, BP5

NM_000091.5(COL4A3):c.1752C>T (p.Gly584=)

Genes: COL4A3 (collagen type IV alpha 3 chain; plus strand), MFF-DT (MFF divergent transcript; minus strand). Cytogenetic location: 2q36.3.
Variant type: single nucleotide variant.
Coding change: c.1752C>T on transcript NM_000091.5 (MANE Select); coding-DNA position 1752, C replaced by T.
Protein change: p.Gly584=; no amino-acid change (glycine 584 retained).
Molecular consequence: synonymous variant.
Genome position (GRCh38, 1-based): chr2:227,270,946, C>T. VCF-style: chr2-227270946-C-T. GRCh37 (hg19) VCF-style: chr2-228135662-C-T.
Identifiers: ClinVar variation 2571124 (VCV002571124.29), dbSNP rs746928034, ClinGen allele CA2146746.